The following is an entry in ClinVar:

NM_004336.5(BUB1):c.452A>G (p.His151Arg)

Gene: BUB1 (BUB1 mitotic checkpoint serine/threonine kinase; minus strand). Cytogenetic location: 2q13.
Variant type: single nucleotide variant.
Coding change: c.452A>G on transcript NM_004336.5 (MANE Select); coding-DNA position 452, A replaced by G.
Protein change: p.His151Arg; replaces histidine 151 with arginine.
Molecular consequence: missense variant.
Genome position (GRCh38, 1-based): chr2:110,670,539, T>C on the plus strand (A>G on the coding strand, the complement: BUB1 is on the minus strand). VCF-style: chr2-110670539-T-C. GRCh37 (hg19) VCF-style: chr2-111428116-T-C.
Other names: c.392A>G, p.His131Arg (NM_001278616.2); c.452A>G, p.His151Arg (NM_001278617.2); short protein forms H131R, H151R.
Identifiers: ClinVar variation 1741255 (VCV001741255.2), dbSNP rs2468032755, ClinGen allele CA348219527.
Genomic context (GRCh38, chr2:110,670,539, plus strand): 5'-AAGACTAAATGGACAACAACAGGCATTTTAGAAAGCCTGATTTTACCTTGAGCTGGCAAA[T>C]GGGTTTCAGTGAGGCGTGTCTGAAATAACCTAAATGACAGCAGAAAAGGCATCAATGTAG-3'
Protein context (NP_004327.1, residues 141-161): RLFQTRLTET[His151Arg]LPAQARTSEP

ClinVar aggregate classification (germline): Uncertain significance (1 of 4 stars; one submission).

Submission:

Ambry Genetics
Classification: Uncertain significance. Last evaluated: 2024-03-01. Review status: criteria provided, single submitter. Criteria: Ambry Variant Classification Scheme 2023. Collection method: clinical testing. Allele origin: germline.
Comment: The p.H151R variant (also known as c.452A>G), located in coding exon 5 of the BUB1 gene, results from an A to G substitution at nucleotide position 452. The histidine at codon 151 is replaced by arginine, an amino acid with highly similar properties. This amino acid position is conserved. In addition, this alteration is predicted to be tolerated by in silico analysis. Since supporting evidence is limited at this time, the clinical significance of this alteration remains unclear.